The following is an entry in ClinVar:

NM_003640.5(ELP1):c.3869A>G (p.Asn1290Ser)

Gene: ELP1 (elongator acetyltransferase complex subunit 1; minus strand). Cytogenetic location: 9q31.3.
Variant type: single nucleotide variant.
Coding change: c.3869A>G on transcript NM_003640.5 (MANE Select); coding-DNA position 3869, A replaced by G.
Protein change: p.Asn1290Ser; replaces asparagine 1290 with serine.
Molecular consequence: missense variant.
Genome position (GRCh38, 1-based): chr9:108,874,957, T>C on the plus strand (A>G on the coding strand, the complement: ELP1 is on the minus strand). VCF-style: chr9-108874957-T-C. GRCh37 (hg19) VCF-style: chr9-111637237-T-C.
Other names: c.3869A>G (LRG_251t1); c.3527A>G, p.Asn1176Ser (NM_001318360.2); c.2822A>G, p.Asn941Ser (NM_001330749.2); short protein forms N1290S, N941S, N1176S.
Identifiers: ClinVar variation 364552 (VCV000364552.28), dbSNP rs145319352, ClinGen allele CA5174147.

ClinVar aggregate classification (germline): Conflicting classifications of pathogenicity. Review status: criteria provided, conflicting classifications (1 of 4 stars). 7 submissions from 7 submitters: Uncertain significance (3); Likely benign (3). 1 of the submissions does not count toward it. Last evaluated 2026-01-28.

Conditions:
ELP1-related disorder. Also called: ELP1-related condition.
Familial dysautonomia. Also called: FD; HSAN III. Identifiers: Orphanet 1764, MedGen C0013364, MONDO:0009131, OMIM 223900. Disease mechanism: loss of function.

Allele frequency attached by ClinVar (database versions not stated): gnomAD exomes 0.00020; ExAC 0.00026; 1000 Genomes Project 0.00060; gnomAD 0.00075 and 0.00083; ESP Exome Variant Server 0.00100; TOPMed 0.00100; 1000 Genomes Project 30x 0.00109.
gnomAD v4.1: 224 of 1,611,022 alleles (0.014%); highest among the groups gnomAD compares: African/African-American, 0.25%; no homozygotes.

Submissions (7):

Labcorp Genetics (formerly Invitae), Labcorp
Classification: Likely benign. Last evaluated: 2026-01-28. Review status: criteria provided, single submitter. Criteria: Invitae Variant Classification Sherloc (09022015). Collection method: clinical testing. Allele origin: germline.

PreventionGenetics, part of Exact Sciences
Classification: Likely benign for ELP1-related condition. Last evaluated: 2025-02-28. Review status: criteria provided, single submitter. Criteria: ACMG Guidelines, 2015. Collection method: clinical testing. Allele origin: germline.
Comment: This variant is classified as likely benign based on ACMG/AMP sequence variant interpretation guidelines (Richards et al. 2015 PMID: 25741868, with internal and published modifications).

Ambry Genetics
Classification: Likely benign. Last evaluated: 2020-12-01. Review status: criteria provided, single submitter. Criteria: Ambry Variant Classification Scheme 2023. Collection method: clinical testing. Allele origin: germline.

Illumina Laboratory Services, Illumina
Classification: Uncertain significance for Familial dysautonomia. Last evaluated: 2018-01-13. Review status: criteria provided, single submitter. Criteria: ICSL Variant Classification Criteria 13 December 2019. Collection method: clinical testing. Allele origin: germline.

GeneDx
Classification: Uncertain significance. Last evaluated: 2017-07-05. Review status: criteria provided, single submitter. Criteria: GeneDx Variant Classification (06012015). Collection method: clinical testing. Allele origin: germline. Affected: yes.
Comment: A variant of uncertain significance has been identified in the IKBKAP gene. The N1290S variant has not been published as a pathogenic variant, nor has it been reported as a benign variant to our knowledge. The N1290S variant is observed in 30/10398 (0.3%) alleles from individuals of African background (Lek et al., 2016; 1000 Genomes Consortium et al., 2015; Exome Variant Server). The N1290S variant is a conservative amino acid substitution, which is not likely to impact secondary protein structure as these residues share similar properties. This substitution occurs at a position that is not conserved. However, in silico analysis is inconsistent in its predictions as to whether or not the variant is damaging to the protein structure/function. Therefore, based on the currently available information, it is unclear whether this variant is a pathogenic variant or a rare benign variant.

ARUP Laboratories, Molecular Genetics and Genomics, ARUP Laboratories
Classification: Uncertain significance. Last evaluated: 2017-06-14. Review status: criteria provided, single submitter. Criteria: ARUP Molecular Germline Variant Investigation Process. Collection method: clinical testing. Allele origin: germline.
Comment: The p.Asn1290Ser variant (rs145319352) has not been reported in the medical literature, nor has it been previously identified in our laboratory; however, it is listed in the ClinVar database as a variant of uncertain significance (Variation ID: 364552). It is listed in the Genome Aggregation Database (gnomAD) browser with a frequency in African populations of 0.30% (identified in 71 out of 24,036 chromosomes). The asparagine at codon 1290 is moderately conserved (Alamut software v2.9), however several species of rodent, in addition to other species of mammal, have a serine at this position, suggesting this change is evolutionary tolerated. Furthermore, computational analyses suggest this variant does not have a significant effect on IKBKAP protein structure/function (SIFT: tolerated, PolyPhen2: benign, and Mutation Taster: polymorphism). However, based on the available information, the clinical significance of the p.Asn1290Ser variant cannot be determined with certainty.

Natera, Inc.
Classification: Uncertain significance for Hereditary sensory and autonomic neuropathy type III. Last evaluated: 2020-01-24. Review status: no assertion criteria provided. Collection method: clinical testing. Allele origin: germline. Not counted in ClinVar's aggregate classification.